The following is an entry in ClinVar:

ClinVar aggregate classification (germline): Uncertain significance. Review status: criteria provided, multiple submitters, no conflicts (2 of 4 stars). 2 submissions from 2 submitters: Uncertain significance (2). Last evaluated 2026-06-12.

Conditions:
NRAS-related disorder. Also called: NRAS-related condition.

Allele frequency attached by ClinVar (database versions not stated): gnomAD exomes 0.00001.
gnomAD v4.1: 15 of 1,613,718 alleles (0.00093%); highest among the groups gnomAD compares: Non-Finnish European, 0.0012%; no homozygotes.

Submissions (2):

PreventionGenetics, part of Exact Sciences
Classification: Uncertain significance for NRAS-related condition. Last evaluated: 2026-06-12. Review status: criteria provided, single submitter. Criteria: ACMG Guidelines, 2015. Collection method: clinical testing. Allele origin: germline.
Comment: The NRAS c.554C>T variant is predicted to result in the amino acid substitution p.Pro185Leu. To our knowledge, this variant has not been reported in the literature or in a large population database (gnomAD), indicating this variant is rare. At this time, the clinical significance of this variant is uncertain due to the absence of conclusive functional and genetic evidence.

GeneDx
Classification: Uncertain significance. Last evaluated: 2020-08-20. Review status: criteria provided, single submitter. Criteria: GeneDx Variant Classification Process June 2021. Collection method: clinical testing. Allele origin: germline. Affected: yes.
Comment: Not observed in large population cohorts (Lek 2016); Missense variants in this gene are often considered pathogenic (Stenson 2014); In silico analysis supports that this missense variant does not alter protein structure/function; Has not been previously published as pathogenic or benign to our knowledge

NM_002524.5(NRAS):c.554C>T (p.Pro185Leu)

Gene: NRAS (NRAS proto-oncogene, GTPase; minus strand). Cytogenetic location: 1p13.2.
Variant type: single nucleotide variant.
Coding change: c.554C>T on transcript NM_002524.5 (MANE Select); coding-DNA position 554, C replaced by T.
Protein change: p.Pro185Leu; replaces proline 185 with leucine.
Molecular consequence: missense variant.
Genome position (GRCh38, 1-based): chr1:114,708,551, G>A on the plus strand (C>T on the coding strand, the complement: NRAS is on the minus strand). VCF-style: chr1-114708551-G-A. GRCh37 (hg19) VCF-style: chr1-115251172-G-A.
Other names: c.554C>T (NM_002524.4); short protein forms P185L.
Identifiers: ClinVar variation 1313158 (VCV001313158.3), dbSNP rs2101737789, ClinGen allele CA341738380.